The following is an entry in ClinVar:

ClinVar aggregate classification (germline): Uncertain significance (0 of 4 stars; one submission).

Conditions:
VEZF1-related disorder. Also called: VEZF1-related condition.

Submission:

PreventionGenetics, part of Exact Sciences
Classification: Uncertain significance for VEZF1-related condition. Last evaluated: 2024-04-01. Review status: no assertion criteria provided. Collection method: clinical testing. Allele origin: germline.
Comment: The VEZF1 c.34-5T>G variant is predicted to interfere with splicing. This variant is predicted to impact splicing based on splicing prediction programs (SpliceAI, Jaganathan K, et al. 2019. PubMed ID: 30661751). To our knowledge, this variant has not been reported in the literature or in a large population database, indicating this variant is rare. At this time, the clinical significance of this variant is uncertain due to the absence of conclusive functional and genetic evidence.

NM_007146.3(VEZF1):c.34-5T>G

Gene: VEZF1 (vascular endothelial zinc finger 1; minus strand). Cytogenetic location: 17q22.
Variant type: single nucleotide variant.
Coding change: c.34-5T>G on transcript NM_007146.3 (MANE Select); 5 bases into the intron before coding-DNA position 34, T replaced by G.
Molecular consequence: intron variant.
Genome position (GRCh38, 1-based): chr17:57,983,398, A>C on the plus strand (T>G on the coding strand, the complement: VEZF1 is on the minus strand). VCF-style: chr17-57983398-A-C. GRCh37 (hg19) VCF-style: chr17-56060759-A-C.
Other names: c.7-5T>G (NM_001330393.2).
Identifiers: ClinVar variation 3349248 (VCV003349248.1).